The following is an entry in ClinVar:

ClinVar aggregate classification (germline): Uncertain significance (1 of 4 stars; one submission).

Conditions:
Gastrointestinal stromal tumor. Also called: Gastrointestinal stromal tumor, somatic; Gastrointestinal stroma tumor. Identifiers: Orphanet 44890, MedGen C0238198, MeSH D046152, MONDO:0011719, OMIM 606764, HP:0100723.

Submission:

Labcorp Genetics (formerly Invitae), Labcorp
Classification: Uncertain significance for Gastrointestinal stromal tumor. Last evaluated: 2021-12-29. Review status: criteria provided, single submitter. Criteria: Invitae Variant Classification Sherloc (09022015). Collection method: clinical testing. Allele origin: germline.
Comment: In summary, the available evidence is currently insufficient to determine the role of this variant in disease. Therefore, it has been classified as a Variant of Uncertain Significance. This sequence change replaces glutamine, which is neutral and polar, with histidine, which is basic and polar, at codon 968 of the KIT protein (p.Gln968His). This variant is not present in population databases (gnomAD no frequency). This variant has not been reported in the literature in individuals affected with KIT-related conditions. ClinVar contains an entry for this variant (Variation ID: 664809). Algorithms developed to predict the effect of missense changes on protein structure and function are either unavailable or do not agree on the potential impact of this missense change (SIFT: "Deleterious"; PolyPhen-2: "Probably Damaging"; Align-GVGD: "Class C15").

NM_000222.3(KIT):c.2904G>T (p.Gln968His)

Gene: KIT (KIT proto-oncogene, receptor tyrosine kinase; plus strand). Cytogenetic location: 4q12.
Variant type: single nucleotide variant.
Coding change: c.2904G>T on transcript NM_000222.3 (MANE Select); coding-DNA position 2904, G replaced by T.
Protein change: p.Gln968His; replaces glutamine 968 with histidine.
Molecular consequence: missense variant.
Genome position (GRCh38, 1-based): chr4:54,738,530, G>T. VCF-style: chr4-54738530-G-T. GRCh37 (hg19) VCF-style: chr4-55604696-G-T.
Other names: c.2892G>T, p.Gln964His (NM_001093772.2, NM_001385292.1); c.2907G>T, p.Gln969His (NM_001385284.1); c.2901G>T, p.Gln967His (NM_001385285.1); c.2889G>T, p.Gln963His (NM_001385286.1); c.2895G>T, p.Gln965His (NM_001385288.1); c.2904G>T, p.Gln968His (NM_001385290.1); short protein forms Q964H, Q968H, Q963H, Q965H, Q967H, Q969H.
Identifiers: ClinVar variation 664809 (VCV000664809.9), dbSNP rs1578010083, ClinGen allele CA356916531.
Genomic context (GRCh38, chr4:54,738,530, plus strand): 5'-GCCCGTGGTAGACCATTCTGTGCGGATCAATTCTGTCGGCAGCACCGCTTCCTCCTCCCA[G>T]CCTCTGCTTGTGCACGACGATGTCTGAGCAGAATCAGTGTTTGGGTCACCCCTCCAGGAA-3'
Protein context (NP_000213.1, residues 958-976): NSVGSTASSS[Gln968His]PLLVHDDV